The following is an entry in ClinVar:

ClinVar aggregate classification (germline): Uncertain significance. Review status: criteria provided, multiple submitters, no conflicts (2 of 4 stars). 2 submissions from 2 submitters: Uncertain significance (2). Last evaluated 2024-06-10.

Conditions:
Mendelian susceptibility to mycobacterial diseases due to complete IL12B deficiency. Also called: IL12B DEFICIENCY; Immunodeficiency 29. Identifiers: Orphanet 319558, MedGen C4013948, MONDO:0013954, OMIM 614890.

gnomAD v4.1: 13 of 1,614,004 alleles (0.00081%); highest among the groups gnomAD compares: Non-Finnish European, 0.00093%; no homozygotes.

Submissions (2):

Blueprint Genetics
Classification: Uncertain significance. Last evaluated: 2024-06-10. Review status: criteria provided, single submitter. Criteria: ACMG Guidelines, 2015. Collection method: clinical testing. Allele origin: germline.

Labcorp Genetics (formerly Invitae), Labcorp
Classification: Uncertain significance for Mendelian susceptibility to mycobacterial diseases due to complete IL12B deficiency. Last evaluated: 2022-04-24. Review status: criteria provided, single submitter. Criteria: Invitae Variant Classification Sherloc (09022015). Collection method: clinical testing. Allele origin: germline.
Comment: In summary, the available evidence is currently insufficient to determine the role of this variant in disease. Therefore, it has been classified as a Variant of Uncertain Significance. Algorithms developed to predict the effect of sequence changes on RNA splicing suggest that this variant may disrupt the consensus splice site. Algorithms developed to predict the effect of missense changes on protein structure and function (SIFT, PolyPhen-2, Align-GVGD) all suggest that this variant is likely to be tolerated. This variant has not been reported in the literature in individuals affected with IL12B-related conditions. This variant is present in population databases (no rsID available, gnomAD 0.002%). This sequence change replaces aspartic acid, which is acidic and polar, with valine, which is neutral and non-polar, at codon 287 of the IL12B protein (p.Asp287Val).

NM_002187.3(IL12B):c.860A>T (p.Asp287Val)

Gene: IL12B (interleukin 12B; minus strand). Cytogenetic location: 5q33.3.
Variant type: single nucleotide variant.
Coding change: c.860A>T on transcript NM_002187.3 (MANE Select); coding-DNA position 860, A replaced by T.
Protein change: p.Asp287Val; replaces aspartic acid 287 with valine.
Molecular consequence: missense variant.
Genome position (GRCh38, 1-based): chr5:159,316,812, T>A on the plus strand (A>T on the coding strand, the complement: IL12B is on the minus strand). VCF-style: chr5-159316812-T-A. GRCh37 (hg19) VCF-style: chr5-158743820-T-A.
Other names: short protein forms D287V.
Identifiers: ClinVar variation 2169058 (VCV002169058.3), dbSNP rs146408881, ClinGen allele CA362029957.